The following is an entry in ClinVar:

NM_015331.3(NCSTN):c.1295G>A (p.Arg432Gln)

Gene: NCSTN (nicastrin; plus strand). Cytogenetic location: 1q23.2.
Variant type: single nucleotide variant.
Coding change: c.1295G>A on transcript NM_015331.3 (MANE Select); coding-DNA position 1295, G replaced by A.
Protein change: p.Arg432Gln; replaces arginine 432 with glutamine.
Molecular consequence: missense variant.
Genome position (GRCh38, 1-based): chr1:160,354,233, G>A. VCF-style: chr1-160354233-G-A. GRCh37 (hg19) VCF-style: chr1-160324023-G-A.
Other names: c.1235G>A, p.Arg412Gln (NM_001290184.2); c.881G>A, p.Arg294Gln (NM_001290186.2); c.1295G>A, p.Arg432Gln (NM_001349729.2); short protein forms R294Q, R412Q, R432Q.
Identifiers: ClinVar variation 2582194 (VCV002582194.2), dbSNP rs754828441, ClinGen allele CA1198952.

ClinVar aggregate classification (germline): Uncertain significance. Review status: criteria provided, multiple submitters, no conflicts (2 of 4 stars). 2 submissions from 2 submitters: Uncertain significance (2). Last evaluated 2025-09-26.

Conditions:
Inborn genetic diseases. Identifiers: MedGen C0950123, MeSH D030342.

Allele frequency attached by ClinVar (database versions not stated): TOPMed 0.00001; ExAC 0.00002.
gnomAD v4.1: 9 of 1,613,948 alleles (0.00056%); highest among the groups gnomAD compares: South Asian, 0.0044%; no homozygotes.

Submissions (2):

Ambry Genetics
Classification: Uncertain significance for Inborn genetic diseases. Last evaluated: 2025-09-26. Review status: criteria provided, single submitter. Criteria: Ambry Variant Classification Scheme 2023. Collection method: clinical testing. Allele origin: germline.

GeneDx
Classification: Uncertain significance. Last evaluated: 2023-03-31. Review status: criteria provided, single submitter. Criteria: GeneDx Variant Classification Process June 2021. Collection method: clinical testing. Allele origin: germline. Affected: yes.
Comment: In silico analysis supports that this missense variant does not alter protein structure/function; Has not been previously published as pathogenic or benign to our knowledge